The following is an entry in ClinVar:

ClinVar aggregate classification (germline): Likely benign (1 of 4 stars; one submission).

gnomAD v4.1: 182 of 985,438 alleles (0.018%); highest among the groups gnomAD compares: East Asian, 1.3%; no homozygotes.

Submission:

CeGaT Center for Human Genetics Tuebingen
Classification: Likely benign. Last evaluated: 2026-02-01. Review status: criteria provided, single submitter. Criteria: CeGaT Center For Human Genetics Tuebingen Variant Classification Criteria Version 2. Collection method: clinical testing. Allele origin: germline. Affected: yes. Observed: 2 variant alleles.
Comment: MAST3: BS1

NM_001393504.1(MAST3):c.162-3453G>A

Gene: MAST3 (microtubule associated serine/threonine kinase 3; plus strand). Cytogenetic location: 19p13.11.
Variant type: single nucleotide variant.
Coding change: c.162-3453G>A on transcript NM_001393504.1 (MANE Select); 3453 bases into the intron before coding-DNA position 162, G replaced by A.
Molecular consequence: intron variant. On other transcripts: missense variant (6).
Genome position (GRCh38, 1-based): chr19:18,118,232, G>A. VCF-style: chr19-18118232-G-A. GRCh37 (hg19) VCF-style: chr19-18229042-G-A.
Other names: c.67G>A, p.Ala23Thr (NM_001393506.1, NM_001393510.1, NM_001393511.1 and 3 more transcripts); c.162-3453G>A (NM_001393501.1, NM_001393502.1); c.72-3453G>A (NM_001393508.1, NM_001393516.1, NM_001393514.1 and 6 more transcripts); c.138-3453G>A (NM_001393503.1, NM_001393507.1, NM_001393505.1); c.48-3453G>A (NM_001393521.1); short protein forms A23T.
Identifiers: ClinVar variation 4681605 (VCV004681605.5).